The following is an entry in ClinVar:

ClinVar aggregate classification (germline): Uncertain significance (1 of 4 stars; one submission).

Conditions:
Inborn genetic diseases. Identifiers: MedGen C0950123, MeSH D030342.

Submission:

Ambry Genetics
Classification: Uncertain significance for Inborn genetic diseases. Last evaluated: 2022-06-18. Review status: criteria provided, single submitter. Criteria: Ambry Variant Classification Scheme 2023. Collection method: clinical testing. Allele origin: germline.
Comment: The p.L1085R variant (also known as c.3254T>G), located in coding exon 24 of the LRRK2 gene, results from a T to G substitution at nucleotide position 3254. The leucine at codon 1085 is replaced by arginine, an amino acid with dissimilar properties. This amino acid position is conserved. In addition, this alteration is predicted to be deleterious by in silico analysis. Since supporting evidence is limited at this time, the clinical significance of this alteration remains unclear.

NM_198578.4(LRRK2):c.3254T>G (p.Leu1085Arg)

Gene: LRRK2 (leucine rich repeat kinase 2; plus strand). Cytogenetic location: 12q12.
Variant type: single nucleotide variant.
Coding change: c.3254T>G on transcript NM_198578.4 (MANE Select); coding-DNA position 3254, T replaced by G.
Protein change: p.Leu1085Arg; replaces leucine 1085 with arginine.
Molecular consequence: missense variant.
Genome position (GRCh38, 1-based): chr12:40,298,400, T>G. VCF-style: chr12-40298400-T-G. GRCh37 (hg19) VCF-style: chr12-40692202-T-G.
Other names: short protein forms L1085R.
Identifiers: ClinVar variation 1729452 (VCV001729452.2), dbSNP rs2499746368, ClinGen allele CA384414828.